The following is an entry in ClinVar:

ClinVar aggregate classification (germline): Uncertain significance. Review status: criteria provided, multiple submitters, no conflicts (2 of 4 stars). 2 submissions from 2 submitters: Uncertain significance (2). Last evaluated 2023-10-17.

Conditions:
Hereditary cancer-predisposing syndrome. Also called: Neoplastic Syndromes, Hereditary; Tumor predisposition; Hereditary Cancer Syndrome; Hereditary neoplastic syndrome. Identifiers: Orphanet 140162, MedGen C0027672, MeSH D009386, MONDO:0015356.
Rhabdoid tumor predisposition syndrome 2 (RTPS2). Identifiers: Orphanet 231108, Orphanet 69077, MedGen C2750074, MONDO:0013224, OMIM 613325.

Submissions (2):

Labcorp Genetics (formerly Invitae), Labcorp
Classification: Uncertain significance for Rhabdoid tumor predisposition syndrome 2. Last evaluated: 2023-10-17. Review status: criteria provided, single submitter. Criteria: Invitae Variant Classification Sherloc (09022015). Collection method: clinical testing. Allele origin: germline.
Comment: This sequence change replaces proline, which is neutral and non-polar, with leucine, which is neutral and non-polar, at codon 34 of the SMARCA4 protein (p.Pro34Leu). This variant is not present in population databases (gnomAD no frequency). This variant has not been reported in the literature in individuals affected with SMARCA4-related conditions. ClinVar contains an entry for this variant (Variation ID: 1755383). Advanced modeling of protein sequence and biophysical properties (such as structural, functional, and spatial information, amino acid conservation, physicochemical variation, residue mobility, and thermodynamic stability) has been performed at Invitae for this missense variant, however the output from this modeling did not meet the statistical confidence thresholds required to predict the impact of this variant on SMARCA4 protein function. In summary, the available evidence is currently insufficient to determine the role of this variant in disease. Therefore, it has been classified as a Variant of Uncertain Significance.

Ambry Genetics
Classification: Uncertain significance for Hereditary cancer-predisposing syndrome. Last evaluated: 2022-01-28. Review status: criteria provided, single submitter. Criteria: Ambry Variant Classification Scheme 2023. Collection method: clinical testing. Allele origin: germline.
Comment: The p.P34L variant (also known as c.101C>T), located in coding exon 1 of the SMARCA4 gene, results from a C to T substitution at nucleotide position 101. The proline at codon 34 is replaced by leucine, an amino acid with similar properties. This amino acid position is highly conserved in available vertebrate species. In addition, the in silico prediction for this alteration is inconclusive. Missense and in-frame variants in SMARCA4 are known to cause neurodevelopmental disorders; however, such associations with rhabdoid tumor predisposition syndrome including small cell carcinoma of the ovary-hypercalcemic type (SCCOHT) are exceedingly rare (Kosho T et al. Am J Med Genet C Semin Med Genet. 2014 Sep;166C(3):262-75; Jelinic P et al. Nat Genet. 2014 May;46(5):424-6). Since supporting evidence is limited at this time, the clinical significance of this alteration remains unclear.

NM_003072.5(SMARCA4):c.101C>T (p.Pro34Leu)

Gene: SMARCA4 (SWI/SNF related BAF chromatin remodeling complex subunit ATPase 4; plus strand). Cytogenetic location: 19p13.2.
Variant type: single nucleotide variant.
Coding change: c.101C>T on transcript NM_003072.5 (MANE Select); coding-DNA position 101, C replaced by T.
Protein change: p.Pro34Leu; replaces proline 34 with leucine.
Molecular consequence: missense variant. On other transcripts: non-coding transcript variant (1).
Genome position (GRCh38, 1-based): chr19:10,984,252, C>T. VCF-style: chr19-10984252-C-T. GRCh37 (hg19) VCF-style: chr19-11094928-C-T.
Other names: c.101C>T, p.Pro34Leu (NM_001128844.3, NM_001128845.2, NM_001128846.2 and 6 more transcripts); short protein forms P34L.
Identifiers: ClinVar variation 1755383 (VCV001755383.7), dbSNP rs2085811631, ClinGen allele CA404054203.